The following is an entry in ClinVar:

NM_015450.3(POT1):c.1823A>C (p.Lys608Thr)

Gene: POT1 (protection of telomeres 1; minus strand). Cytogenetic location: 7q31.33.
Variant type: single nucleotide variant.
Coding change: c.1823A>C on transcript NM_015450.3 (MANE Select); coding-DNA position 1823, A replaced by C.
Protein change: p.Lys608Thr; replaces lysine 608 with threonine.
Molecular consequence: missense variant. On other transcripts: non-coding transcript variant (3).
Genome position (GRCh38, 1-based): chr7:124,824,044, T>G on the plus strand (A>C on the coding strand, the complement: POT1 is on the minus strand). VCF-style: chr7-124824044-T-G. GRCh37 (hg19) VCF-style: chr7-124464098-T-G.
Other names: c.1823A>C (NM_015450.2); c.1430A>C, p.Lys477Thr (NM_001042594.2); short protein forms K608T, K477T.
Identifiers: ClinVar variation 2856105 (VCV002856105.4), dbSNP rs2485333178, ClinGen allele CA369061228.

ClinVar aggregate classification (germline): Uncertain significance. Review status: criteria provided, multiple submitters, no conflicts (2 of 4 stars). 2 submissions from 2 submitters: Uncertain significance (2). Last evaluated 2024-02-13.

Conditions:
Tumor predisposition syndrome 3 (TPDS3). Also called: LONG TELOMERE SYNDROME, POT1-RELATED; POT1 Tumor Predisposition; Melanoma, cutaneous malignant, susceptibility to, 10; Glioma susceptibility 9. Identifiers: Orphanet 618, MedGen C4014476, MONDO:0014368, OMIM 615848.
Hereditary cancer-predisposing syndrome. Also called: Tumor predisposition; Hereditary neoplastic syndrome; Hereditary Cancer Syndrome; Neoplastic Syndromes, Hereditary. Identifiers: Orphanet 140162, MedGen C0027672, MeSH D009386, MONDO:0015356.

gnomAD v4.1: 1 of 1,607,872 alleles (0.000062%); highest among the groups gnomAD compares: South Asian, 0.0011%; no homozygotes.

Submissions (2):

Ambry Genetics
Classification: Uncertain significance for Hereditary cancer-predisposing syndrome. Last evaluated: 2024-02-13. Review status: criteria provided, single submitter. Criteria: Ambry Variant Classification Scheme 2023. Collection method: clinical testing. Allele origin: germline.
Comment: The p.K608T variant (also known as c.1823A>C), located in coding exon 15 of the POT1 gene, results from an A to C substitution at nucleotide position 1823. The lysine at codon 608 is replaced by threonine, an amino acid with similar properties. This amino acid position is conserved. In addition, this alteration is predicted to be tolerated by in silico analysis. Based on the available evidence, the clinical significance of this alteration remains unclear.

Labcorp Genetics (formerly Invitae), Labcorp
Classification: Uncertain significance for Tumor predisposition syndrome 3. Last evaluated: 2024-01-28. Review status: criteria provided, single submitter. Criteria: Invitae Variant Classification Sherloc (09022015). Collection method: clinical testing. Allele origin: germline.
Comment: This sequence change replaces lysine, which is basic and polar, with threonine, which is neutral and polar, at codon 608 of the POT1 protein (p.Lys608Thr). This variant is not present in population databases (gnomAD no frequency). This variant has not been reported in the literature in individuals affected with POT1-related conditions. Advanced modeling of protein sequence and biophysical properties (such as structural, functional, and spatial information, amino acid conservation, physicochemical variation, residue mobility, and thermodynamic stability) performed at Invitae indicates that this missense variant is not expected to disrupt POT1 protein function with a negative predictive value of 80%. In summary, the available evidence is currently insufficient to determine the role of this variant in disease. Therefore, it has been classified as a Variant of Uncertain Significance.